The following is an entry in ClinVar:

NM_032776.3(JMJD1C):c.6841C>G (p.Leu2281Val)

Gene: JMJD1C (jumonji domain containing 1C; minus strand). Cytogenetic location: 10q21.3.
Variant type: single nucleotide variant.
Coding change: c.6841C>G on transcript NM_032776.3 (MANE Select); coding-DNA position 6841, C replaced by G.
Protein change: p.Leu2281Val; replaces leucine 2281 with valine.
Molecular consequence: missense variant. On other transcripts: non-coding transcript variant (1).
Genome position (GRCh38, 1-based): chr10:63,184,728, G>C on the plus strand (C>G on the coding strand, the complement: JMJD1C is on the minus strand). VCF-style: chr10-63184728-G-C. GRCh37 (hg19) VCF-style: chr10-64944488-G-C.
Other names: c.6295C>G, p.Leu2099Val (NM_001282948.2, NM_001318154.2); c.5977C>G, p.Leu1993Val (NM_001318153.2); c.6727C>G, p.Leu2243Val (NM_001322252.2); c.6184C>G, p.Leu2062Val (NM_001322254.2, NM_001322258.2); short protein forms L2243V, L2099V, L2281V, L2062V, L1993V.
Identifiers: ClinVar variation 1413489 (VCV001413489.8), dbSNP rs1843909414, ClinGen allele CA377020959.

ClinVar aggregate classification (germline): Uncertain significance (1 of 4 stars; one submission).

Conditions:
Early Myoclonic Encephalopathy. Identifiers: MedGen C0270855.

Submission:

Labcorp Genetics (formerly Invitae), Labcorp
Classification: Uncertain significance for Early Myoclonic Encephalopathy. Last evaluated: 2021-03-25. Review status: criteria provided, single submitter. Criteria: Invitae Variant Classification Sherloc (09022015). Collection method: clinical testing. Allele origin: germline.
Comment: Algorithms developed to predict the effect of missense changes on protein structure and function (SIFT, PolyPhen-2, Align-GVGD) all suggest that this variant is likely to be tolerated, but these predictions have not been confirmed by published functional studies and their clinical significance is uncertain. This variant has not been reported in the literature in individuals with JMJD1C-related conditions. This variant is not present in population databases (ExAC no frequency). This sequence change replaces leucine with valine at codon 2281 of the JMJD1C protein (p.Leu2281Val). The leucine residue is moderately conserved and there is a small physicochemical difference between leucine and valine. In summary, the available evidence is currently insufficient to determine the role of this variant in disease. Therefore, it has been classified as a Variant of Uncertain Significance.